The following is an entry in ClinVar:

NM_002693.3(POLG):c.3483-14T>C

Gene: POLG (DNA polymerase gamma, catalytic subunit; minus strand). Cytogenetic location: 15q26.1.
Variant type: single nucleotide variant.
Coding change: c.3483-14T>C on transcript NM_002693.3 (MANE Select); 14 bases into the intron before coding-DNA position 3483, T replaced by C.
Molecular consequence: intron variant.
Genome position (GRCh38, 1-based): chr15:89,317,550, A>G on the plus strand (T>C on the coding strand, the complement: POLG is on the minus strand). VCF-style: chr15-89317550-A-G. GRCh37 (hg19) VCF-style: chr15-89860781-A-G.
Other names: NM_002693.2(POLG):c.3483-14T>C; c.3483-14T>C (NM_001126131.2).
Identifiers: ClinVar variation 138764 (VCV000138764.12), dbSNP rs587781119, ClinGen allele CA292853.

ClinVar aggregate classification (germline): Uncertain significance. Review status: reviewed by expert panel (3 of 4 stars). 5 submissions from 5 submitters: Uncertain significance (1). 4 of the submissions do not count toward it. Last evaluated 2021-05-06.

Conditions:
Mitochondrial disease. Also called: Mitochondrial disorders; Mitochondrial disorder. Identifiers: Orphanet 68380, MedGen C0751651, MeSH D028361, MONDO:0044970.
Progressive sclerosing poliodystrophy (MTDPS4A). Also called: Alpers Syndrome; Mitochondrial DNA depletion syndrome 4A (Alpers type); Alpers-Huttenlocher Syndrome (AHS); ALPERS PROGRESSIVE INFANTILE POLIODYSTROPHY; Mitochondrial DNA Depletion Syndrome 4A; NEURONAL DEGENERATION OF CHILDHOOD WITH LIVER DISEASE, PROGRESSIVE. Identifiers: Orphanet 726, MedGen C0205710, MONDO:0008758, OMIM 203700.

Allele frequency attached by ClinVar (database versions not stated): TOPMed 0.00004.
gnomAD v4.1: 46 of 1,613,402 alleles (0.0029%); highest among the groups gnomAD compares: Middle Eastern, 0.016%; no homozygotes.

Submissions (5):

ClinGen Mitochondrial Disease Nuclear and Mitochondrial  Variant Curation Expert Panel, ClinGen
Classification: Uncertain significance for Mitochondrial disease. Last evaluated: 2021-05-06. Review status: reviewed by expert panel. Criteria: clingen mito disease acmg specifications v1-1. Collection method: curation. Allele origin: germline. Inheritance: Autosomal recessive inheritance.
Comment: The c.3482-14 T>C variant in POLG is observed in population databases ExAC at 0.00007% and gnomAD 0.0005% (PM2; observed < 0.05% frequency). Computational prediction tool Revel not available given intronic variant. This variant has not been seen in homozygotes or published in the literature. In summary, there is not sufficient evidence to characterize this variant as pathogenic or benign, therefore it is characterized as a variant of uncertain significance for primary mitochondrial disease inherited in a autosomal recessive manner. ntDNA Mitochondrial ACMG-AMP Criteria for POLG applied: PM2.

Labcorp Genetics (formerly Invitae), Labcorp
Classification: Likely benign for Progressive sclerosing poliodystrophy. Last evaluated: 2025-11-23. Review status: criteria provided, single submitter. Criteria: Invitae Variant Classification Sherloc (09022015). Collection method: clinical testing. Allele origin: germline. Not counted in ClinVar's aggregate classification.

Blueprint Genetics
Classification: Likely benign. Last evaluated: 2023-10-10. Review status: criteria provided, single submitter. Criteria: ACMG Guidelines, 2015. Collection method: clinical testing. Allele origin: germline. Not counted in ClinVar's aggregate classification.

Women's Health and Genetics/Laboratory Corporation of America, LabCorp
Classification: Likely benign. Last evaluated: 2023-09-18. Review status: criteria provided, single submitter. Criteria: LabCorp Variant Classification Summary - May 2015. Collection method: clinical testing. Allele origin: germline. Not counted in ClinVar's aggregate classification.
Comment: Variant summary: POLG c.3483-14T>C alters a non-conserved nucleotide located at a position not widely known to affect splicing. Consensus agreement among computation tools predict no significant impact on normal splicing. However, these predictions have yet to be confirmed by functional studies. The variant allele was found at a frequency of 6.8e-05 in 251070 control chromosomes (gnomAD). To our knowledge, no occurrence of c.3483-14T>C in individuals affected with POLG-Related Spectrum Disorders and no experimental evidence demonstrating its impact on protein function have been reported. Two submitters have cited clinical-significance assessments for this variant to ClinVar after 2014. One submitter classified the variant as likely benign, and one submitter classified the variant as uncertain significance. Based on the evidence outlined above, the variant was classified as likely benign.

GeneDx
Classification: Benign. Last evaluated: 2014-03-28. Review status: criteria provided, single submitter. Criteria: GeneDx Variant Classification (06012015). Collection method: clinical testing. Allele origin: germline. Affected: yes. Not counted in ClinVar's aggregate classification.
Comment: This variant is considered likely benign or benign based on one or more of the following criteria: it is a conservative change, it occurs at a poorly conserved position in the protein, it is predicted to be benign by multiple in silico algorithms, and/or has population frequency not consistent with disease.